The following is an entry in ClinVar:

NM_002103.5(GYS1):c.1987C>T (p.Pro663Ser)

Gene: GYS1 (glycogen synthase 1; minus strand). Cytogenetic location: 19q13.33.
Variant type: single nucleotide variant.
Coding change: c.1987C>T on transcript NM_002103.5 (MANE Select); coding-DNA position 1987, C replaced by T.
Protein change: p.Pro663Ser; replaces proline 663 with serine.
Molecular consequence: missense variant. On other transcripts: non-coding transcript variant (1).
Genome position (GRCh38, 1-based): chr19:48,969,515, G>A on the plus strand (C>T on the coding strand, the complement: GYS1 is on the minus strand). VCF-style: chr19-48969515-G-A. GRCh37 (hg19) VCF-style: chr19-49472772-G-A.
Other names: c.1795C>T, p.Pro599Ser (NM_001161587.2); short protein forms P663S, P599S.
Identifiers: ClinVar variation 1959731 (VCV001959731.5), dbSNP rs2513701842, ClinGen allele CA406759452.

ClinVar aggregate classification (germline): Uncertain significance (1 of 4 stars; one submission).

Conditions:
Glycogen storage disease due to muscle and heart glycogen synthase deficiency. Also called: GSD 0b; MUSCLE GLYCOGEN SYNTHASE DEFICIENCY. Identifiers: Orphanet 137625, MedGen C1969054, MONDO:0012693, OMIM 611556.

Submission:

Labcorp Genetics (formerly Invitae), Labcorp
Classification: Uncertain significance for Glycogen storage disease due to muscle and heart glycogen synthase deficiency. Last evaluated: 2022-08-09. Review status: criteria provided, single submitter. Criteria: Invitae Variant Classification Sherloc (09022015). Collection method: clinical testing. Allele origin: germline.
Comment: This sequence change replaces proline, which is neutral and non-polar, with serine, which is neutral and polar, at codon 663 of the GYS1 protein (p.Pro663Ser). This variant is not present in population databases (gnomAD no frequency). This variant has not been reported in the literature in individuals affected with GYS1-related conditions. Algorithms developed to predict the effect of missense changes on protein structure and function (SIFT, PolyPhen-2, Align-GVGD) all suggest that this variant is likely to be tolerated. In summary, the available evidence is currently insufficient to determine the role of this variant in disease. Therefore, it has been classified as a Variant of Uncertain Significance.